The following is an entry in ClinVar:

ClinVar aggregate classification (germline): Likely pathogenic (1 of 4 stars; one submission).

Conditions:
Leber congenital amaurosis (LCA). Also called: Leber's amaurosis. Identifiers: Orphanet 65, MedGen C0339527, MeSH D057130, MONDO:0018998.

Submission:

Natera, Inc.
Classification: Likely pathogenic for Leber congenital amaurosis. Last evaluated: 2025-06-08. Review status: criteria provided, single submitter. Criteria: Natera Variant Classification Schema (03/2026). Collection method: clinical testing. Allele origin: germline.
Comment: The c.193del variant in RPE65 is a frameshift variant predicted to shift the reading frame beginning at codon 65 and leads to a stop codon 29 codons downstream. This variant is expected to result in nonsense mediated decay, truncation, or a dysfunctional protein product. This variant is rare in the general population with a frequency below the threshold expected for the associated phenotype(s). Given the available evidence, this variant is classified as Likely Pathogenic.

NM_000329.3(RPE65):c.193del (p.Ala65fs)

Gene: RPE65 (retinoid isomerohydrolase RPE65; minus strand). Cytogenetic location: 1p31.3.
Variant type: Deletion.
Coding change: c.193del on transcript NM_000329.3 (MANE Select); coding-DNA position 193, one base deleted (G; older notation c.193delG).
Protein change: p.Ala65fs; shifts the reading frame from alanine 65.
Molecular consequence: frameshift variant. On other transcripts: 5 prime UTR variant (1), intron variant (1).
Genome position (GRCh38, 1-based): chr1:68,446,762, C deleted on the plus strand (G on the coding strand, the reverse complement: RPE65 is on the minus strand). VCF-style (leftmost placement, unchanged base first): chr1-68446761-GC-G. GRCh37 (hg19) VCF-style: chr1-68912444-GC-G.
Other names: c.193del, p.Ala65fs (NM_001406853.1, NM_001406859.1, NM_001406860.1); c.-84del (NM_001406857.1); c.-32+1862del (NM_001406856.1); short protein forms A65fs.
Identifiers: ClinVar variation 4818171 (VCV004818171.1).